The following is an entry in ClinVar:

NM_014000.3(VCL):c.2006G>T (p.Arg669Leu)

Gene: VCL (vinculin; plus strand). Cytogenetic location: 10q22.2.
Variant type: single nucleotide variant.
Coding change: c.2006G>T on transcript NM_014000.3 (MANE Select); coding-DNA position 2006, G replaced by T.
Protein change: p.Arg669Leu; replaces arginine 669 with leucine.
Molecular consequence: missense variant.
Genome position (GRCh38, 1-based): chr10:74,101,081, G>T. VCF-style: chr10-74101081-G-T. GRCh37 (hg19) VCF-style: chr10-75860839-G-T.
Other names: c.2006G>T (NM_014000.2); c.2006G>T, p.Arg669Leu (NM_003373.4); short protein forms R669L.
Identifiers: ClinVar variation 1362419 (VCV001362419.7), dbSNP rs759771302, ClinGen allele CA5563135.

ClinVar aggregate classification (germline): Conflicting classifications of pathogenicity. Review status: criteria provided, conflicting classifications (1 of 4 stars). 3 submissions from 3 submitters: Uncertain significance (2); Likely benign (1). Last evaluated 2025-10-08.

Conditions:
Cardiovascular phenotype. Identifiers: MedGen CN230736.
Dilated cardiomyopathy 1W (CMD1W). Identifiers: Orphanet 154, MedGen C1969639, MONDO:0012667, OMIM 611407.

gnomAD v4.1: 21 of 1,613,274 alleles (0.0013%); highest among the groups gnomAD compares: Non-Finnish European, 0.0018%; no homozygotes.

Submissions (3):

Labcorp Genetics (formerly Invitae), Labcorp
Classification: Uncertain significance for Dilated cardiomyopathy 1W. Last evaluated: 2025-10-08. Review status: criteria provided, single submitter. Criteria: Invitae Variant Classification Sherloc (09022015). Collection method: clinical testing. Allele origin: germline.
Comment: This sequence change replaces arginine, which is basic and polar, with leucine, which is neutral and non-polar, at codon 669 of the VCL protein (p.Arg669Leu). This variant is present in population databases (rs759771302, gnomAD 0.006%). This variant has not been reported in the literature in individuals affected with VCL-related conditions. ClinVar contains an entry for this variant (Variation ID: 1362419). An algorithm developed to predict the effect of missense changes on protein structure and function (PolyPhen-2) suggests that this variant is likely to be disruptive. In summary, the available evidence is currently insufficient to determine the role of this variant in disease. Therefore, it has been classified as a Variant of Uncertain Significance.

Ambry Genetics
Classification: Uncertain significance for Cardiovascular phenotype. Last evaluated: 2024-06-07. Review status: criteria provided, single submitter. Criteria: Ambry Variant Classification Scheme 2023. Collection method: clinical testing. Allele origin: germline.
Comment: The p.R669L variant (also known as c.2006G>T), located in coding exon 14 of the VCL gene, results from a G to T substitution at nucleotide position 2006. The arginine at codon 669 is replaced by leucine, an amino acid with dissimilar properties. This amino acid position is conserved. In addition, the in silico prediction for this alteration is inconclusive. Based on the available evidence, the clinical significance of this variant remains unclear.

Blueprint Genetics
Classification: Likely benign. Last evaluated: 2022-02-03. Review status: criteria provided, single submitter. Criteria: ACMG Guidelines, 2015. Collection method: clinical testing. Allele origin: germline.